The following is an entry in ClinVar:

ClinVar aggregate classification (germline): Benign/Likely benign. Review status: criteria provided, multiple submitters, no conflicts (2 of 4 stars). 6 submissions from 6 submitters: Benign (4); Likely benign (2). Last evaluated 2026-01-31.

Conditions:
Inborn genetic diseases. Identifiers: MedGen C0950123, MeSH D030342.
Schuurs-Hoeijmakers syndrome. Also called: PACS1-Related Neurodevelopmental Disorder. Identifiers: Orphanet 329224, MedGen C3554343, MONDO:0014006, OMIM 615009.

Allele frequency attached by ClinVar (database versions not stated): 1000 Genomes Project 30x 0.00359; gnomAD 0.00397 and 0.00432; 1000 Genomes Project 0.00399; TOPMed 0.00466; ESP Exome Variant Server 0.00546.
gnomAD v4.1: 1,293 of 1,614,038 alleles (0.08%); highest among the groups gnomAD compares: African/African-American, 1.4%; 5 homozygotes.

Submissions (6):

Labcorp Genetics (formerly Invitae), Labcorp
Classification: Benign for Schuurs-Hoeijmakers syndrome. Last evaluated: 2026-01-31. Review status: criteria provided, single submitter. Criteria: Invitae Variant Classification Sherloc (09022015). Collection method: clinical testing. Allele origin: germline.

CeGaT Center for Human Genetics Tuebingen
Classification: Likely benign. Last evaluated: 2025-03-01. Review status: criteria provided, single submitter. Criteria: CeGaT Center For Human Genetics Tuebingen Variant Classification Criteria Version 2. Collection method: clinical testing. Allele origin: germline. Affected: yes. Observed: 3 variant alleles.
Comment: PACS1: BP4, BP7, BS1

Blueprint Genetics
Classification: Likely benign. Last evaluated: 2024-11-22. Review status: criteria provided, single submitter. Criteria: ACMG Guidelines, 2015. Collection method: clinical testing. Allele origin: germline.

GeneDx
Classification: Benign. Last evaluated: 2020-09-29. Review status: criteria provided, single submitter. Criteria: GeneDx Variant Classification Process June 2021. Collection method: clinical testing. Allele origin: germline. Affected: yes.

Ambry Genetics
Classification: Benign for Inborn genetic diseases. Last evaluated: 2016-07-08. Review status: criteria provided, single submitter. Criteria: Ambry Variant Classification Scheme 2023. Collection method: clinical testing. Allele origin: germline.

Breakthrough Genomics
Classification: Benign. Review status: criteria provided, single submitter. Criteria: ACMG Guidelines, 2015. Collection method: not provided. Allele origin: germline. Inheritance: Autosomal dominant inheritance. Affected: yes.

NM_018026.4(PACS1):c.858A>C (p.Ser286=)

Gene: PACS1 (phosphofurin acidic cluster sorting protein 1; plus strand). Cytogenetic location: 11q13.2.
Variant type: single nucleotide variant.
Coding change: c.858A>C on transcript NM_018026.4 (MANE Select); coding-DNA position 858, A replaced by C.
Protein change: p.Ser286=; no amino-acid change (serine 286 retained).
Molecular consequence: synonymous variant.
Genome position (GRCh38, 1-based): chr11:66,216,572, A>C. VCF-style: chr11-66216572-A-C. GRCh37 (hg19) VCF-style: chr11-65984043-A-C.
Identifiers: ClinVar variation 588027 (VCV000588027.41), dbSNP rs114730283, ClinGen allele CA6116365.